The following is an entry in ClinVar:

NM_001323289.2(CDKL5):c.1337C>T (p.Ser446Leu)

Gene: CDKL5 (cyclin dependent kinase like 5; plus strand). Cytogenetic location: Xp22.13.
Variant type: single nucleotide variant.
Coding change: c.1337C>T on transcript NM_001323289.2 (MANE Select); coding-DNA position 1337, C replaced by T.
Protein change: p.Ser446Leu; replaces serine 446 with leucine.
Molecular consequence: missense variant.
Genome position (GRCh38, 1-based): chrX:18,604,261, C>T. VCF-style: chrX-18604261-C-T. GRCh37 (hg19) VCF-style: chrX-18622381-C-T.
Other names: c.1337C>T, p.Ser446Leu (NM_001037343.2, NM_003159.3); short protein forms S446L.
Identifiers: ClinVar variation 1003060 (VCV001003060.9), dbSNP rs1926273872, ClinGen allele CA412360487.
Genomic context (GRCh38, chrX:18,604,261, plus strand): 5'-CAGAAGGCCCAGGGACAAAGTACCTCAAGTCAAACAGCAGATCTCAGCAGAACCGCCACT[C>T]ATTCATGGAAAGCTCTCAAAGCAAAGCTGGGACACTGCAGCCCAATGAAAAGCAGAGTCG-3'
Protein context (NP_001310218.1, residues 436-456): SNSRSQQNRH[Ser446Leu]FMESSQSKAG

ClinVar aggregate classification (germline): Uncertain significance (1 of 4 stars; one submission).

Conditions:
Angelman syndrome-like. Identifiers: MedGen CN128785.
Developmental and epileptic encephalopathy, 2 (DEE2). Also called: INFANTILE SPASM SYNDROME, X-LINKED 2; CDKL5 deficiency disorder. Identifiers: Orphanet 1934, Orphanet 3451, Orphanet 505652, MedGen C4750718, MONDO:0010396, OMIM 300672.

Allele frequency attached by ClinVar (database versions not stated): gnomAD exomes below 0.00001; TOPMed below 0.00001; gnomAD 0.00001.
gnomAD v4.1: 2 of 1,210,341 alleles (0.00017%); highest among the groups gnomAD compares: Non-Finnish European, 0.00022%; no homozygotes.

Submission:

Labcorp Genetics (formerly Invitae), Labcorp
Classification: Uncertain significance for Developmental and epileptic encephalopathy, 2; Angelman syndrome-like. Last evaluated: 2024-09-22. Review status: criteria provided, single submitter. Criteria: Invitae Variant Classification Sherloc (09022015). Collection method: clinical testing. Allele origin: germline.
Comment: This sequence change replaces serine, which is neutral and polar, with leucine, which is neutral and non-polar, at codon 446 of the CDKL5 protein (p.Ser446Leu). This variant is not present in population databases (gnomAD no frequency). This variant has not been reported in the literature in individuals affected with CDKL5-related conditions. ClinVar contains an entry for this variant (Variation ID: 1003060). Invitae Evidence Modeling of protein sequence and biophysical properties (such as structural, functional, and spatial information, amino acid conservation, physicochemical variation, residue mobility, and thermodynamic stability) has been performed for this missense variant. However, the output from this modeling did not meet the statistical confidence thresholds required to predict the impact of this variant on CDKL5 protein function. In summary, the available evidence is currently insufficient to determine the role of this variant in disease. Therefore, it has been classified as a Variant of Uncertain Significance.